The following is an entry in ClinVar:

NM_000465.4(BARD1):c.862T>G (p.Ser288Ala)

Gene: BARD1 (BRCA1 associated RING domain 1; minus strand). Cytogenetic location: 2q35.
Variant type: single nucleotide variant.
Coding change: c.862T>G on transcript NM_000465.4 (MANE Select); coding-DNA position 862, T replaced by G.
Protein change: p.Ser288Ala; replaces serine 288 with alanine.
Molecular consequence: missense variant. On other transcripts: non-coding transcript variant (2), intron variant (3).
Genome position (GRCh38, 1-based): chr2:214,781,012, A>C on the plus strand (T>G on the coding strand, the complement: BARD1 is on the minus strand). VCF-style: chr2-214781012-A-C. GRCh37 (hg19) VCF-style: chr2-215645736-A-C.
Other names: c.805T>G, p.Ser269Ala (NM_001282543.2); c.158+28400T>G (NM_001282548.2); c.215+16049T>G (NM_001282545.2); c.364+11285T>G (NM_001282549.2); short protein forms S288A, S269A.
Identifiers: ClinVar variation 1764106 (VCV001764106.2), dbSNP rs2469507367, ClinGen allele CA350455201.

ClinVar aggregate classification (germline): Uncertain significance (1 of 4 stars; one submission).

Conditions:
Hereditary cancer-predisposing syndrome. Also called: Neoplastic Syndromes, Hereditary; Tumor predisposition; Hereditary Cancer Syndrome; Hereditary neoplastic syndrome. Identifiers: Orphanet 140162, MedGen C0027672, MeSH D009386, MONDO:0015356.

Submission:

Ambry Genetics
Classification: Uncertain significance for Hereditary cancer-predisposing syndrome. Last evaluated: 2022-01-11. Review status: criteria provided, single submitter. Criteria: Ambry Variant Classification Scheme 2023. Collection method: clinical testing. Allele origin: germline.
Comment: The p.S288A variant (also known as c.862T>G), located in coding exon 4 of the BARD1 gene, results from a T to G substitution at nucleotide position 862. The serine at codon 288 is replaced by alanine, an amino acid with similar properties. This amino acid position is highly conserved in available vertebrate species. In addition, the in silico prediction for this alteration is inconclusive. Since supporting evidence is limited at this time, the clinical significance of this alteration remains unclear.